The following is an entry in ClinVar:

NM_001082486.2(ACD):c.-5T>G

Gene: ACD (ACD shelterin complex subunit and telomerase recruitment factor; minus strand). Cytogenetic location: 16q22.1.
Variant type: single nucleotide variant.
Coding change: c.-5T>G on transcript NM_001082486.2 (MANE Select); 5 bases upstream of the start codon, T replaced by G.
Molecular consequence: 5 prime UTR variant.
Genome position (GRCh38, 1-based): chr16:67,660,225, A>C on the plus strand (T>G on the coding strand, the complement: ACD is on the minus strand). VCF-style: chr16-67660225-A-C. GRCh37 (hg19) VCF-style: chr16-67694128-A-C.
Other names: c.-5T>G (NM_001410884.1, NM_022914.3).
Identifiers: ClinVar variation 1792942 (VCV001792942.2), dbSNP rs2052978830, ClinGen allele CA396359227.
Genomic context (GRCh38, chr16:67,660,225, plus strand): 5'-CCCAGAATCAGCTCCCGAATCCAGGGCCGTAGGACCAGCCTCCCCGAACCTGCCATCCCC[A>C]CGGCTACACCCAGCGGATGCAACGGGCCCGGGTTTCCCGCGGGCGCCCAGGCCCCGCCTT-3'

ClinVar aggregate classification (germline): Uncertain significance (1 of 4 stars; one submission).

Conditions:
Inborn genetic diseases. Identifiers: MedGen C0950123, MeSH D030342.

Submission:

Ambry Genetics
Classification: Uncertain significance for Inborn genetic diseases. Last evaluated: 2021-12-11. Review status: criteria provided, single submitter. Criteria: Ambry Variant Classification Scheme 2023. Collection method: clinical testing. Allele origin: germline.
Comment: The p.V85G variant (also known as c.254T>G), located in coding exon 1 of the ACD gene, results from a T to G substitution at nucleotide position 254. The valine at codon 85 is replaced by glycine, an amino acid with dissimilar properties. This amino acid position is conserved. In addition, this alteration is predicted to be tolerated by in silico analysis. Since supporting evidence is limited at this time, the clinical significance of this alteration remains unclear.